The following is an entry in ClinVar:

ClinVar aggregate classification (germline): Pathogenic (1 of 4 stars; one submission).

Conditions:
Neurometabolic disorder due to serine deficiency. Identifiers: Orphanet 35705, MedGen C5680148, MONDO:0018162.

Submission:

Myriad Genetics, Inc.
Classification: Pathogenic for Neurometabolic disorder due to serine deficiency. Last evaluated: 2023-09-13. Review status: criteria provided, single submitter. Criteria: Myriad Autosomal Dominant, Autosomal Recessive and X-Linked Classification Criteria (2023). Collection method: clinical testing. Allele origin: unknown.
Comment: NM_006623.3(PHGDH):c.520_524dup5(P176Mfs*44) is expected to be pathogenic in the context of serine deficiency disorder, PHGDH-related. This variant is predicted to lead to an abnormal or absent protein product due to the creation of a premature termination codon in PHGDH, a gene where loss-of-function variants are known to be pathogenic. Please note: this variant was assessed in the context of healthy population screening.

NM_006623.4(PHGDH):c.520_524dup (p.Pro176fs)

Gene: PHGDH (phosphoglycerate dehydrogenase; plus strand). Cytogenetic location: 1p12.
Variant type: Duplication.
Coding change: c.520_524dup on transcript NM_006623.4 (MANE Select); coding-DNA positions 520 to 524, 5 bases duplicated (TATGA; older notation c.520_524dupTATGA).
Protein change: p.Pro176fs; shifts the reading frame from proline 176.
Molecular consequence: frameshift variant.
Genome position (GRCh38, 1-based): chr1:119,734,643-119,734,647, TATGA duplicated. VCF-style (leftmost placement, unchanged base first): chr1-119734642-G-GTATGA. GRCh37 (hg19) VCF-style: chr1-120277265-G-GTATGA.
Other names: short protein forms P176fs.
Identifiers: ClinVar variation 5011664 (VCV005011664.1).
Genomic context (GRCh38, chr1:119,734,642, plus strand): 5'-AATACTAATAATTAAGAATGACACTTCCTCCCTCTCTCTTGCTTCCAACCAGACTATAGG[G>GTATGA]TATGACCCCATCATTTCCCCAGAGGTCTCGGCCTCCTTTGGTGTTCAGCAGCTGCCCCTG-3'